The following is an entry in ClinVar:

ClinVar aggregate classification (germline): Uncertain significance (1 of 4 stars; one submission).

Conditions:
Hereditary cancer-predisposing syndrome. Also called: Tumor predisposition; Neoplastic Syndromes, Hereditary; Hereditary Cancer Syndrome; Hereditary neoplastic syndrome. Identifiers: Orphanet 140162, MedGen C0027672, MeSH D009386, MONDO:0015356.

Submission:

Ambry Genetics
Classification: Uncertain significance for Hereditary cancer-predisposing syndrome. Last evaluated: 2025-01-15. Review status: criteria provided, single submitter. Criteria: Ambry Variant Classification Scheme 2023. Collection method: clinical testing. Allele origin: germline.
Comment: The p.Q681E variant (also known as c.2041C>G), located in coding exon 12 of the PMS2 gene, results from a C to G substitution at nucleotide position 2041. The glutamine at codon 681 is replaced by glutamic acid, an amino acid with highly similar properties. This amino acid position is highly conserved in available vertebrate species. In addition, this alteration is predicted to be deleterious by in silico analysis. Based on the available evidence, the clinical significance of this variant remains unclear.

NM_000535.7(PMS2):c.2041C>G (p.Gln681Glu)

Gene: PMS2 (PMS1 homolog 2, mismatch repair system component; minus strand). Cytogenetic location: 7p22.1.
Variant type: single nucleotide variant.
Coding change: c.2041C>G on transcript NM_000535.7 (MANE Select); coding-DNA position 2041, C replaced by G.
Protein change: p.Gln681Glu; replaces glutamine 681 with glutamic acid.
Molecular consequence: missense variant. On other transcripts: non-coding transcript variant (1), intron variant (4).
Genome position (GRCh38, 1-based): chr7:5,982,957, G>C on the plus strand (C>G on the coding strand, the complement: PMS2 is on the minus strand). VCF-style: chr7-5982957-G-C. GRCh37 (hg19) VCF-style: chr7-6022588-G-C.
Other names: c.1636C>G, p.Gln546Glu (NM_001322003.2, NM_001322004.2, NM_001322005.2 and 14 more transcripts); c.1885C>G, p.Gln629Glu (NM_001322006.2, NM_001406870.1); c.1723C>G, p.Gln575Glu (NM_001322007.2, NM_001322008.2, NM_001406876.1 and 1 more transcripts); c.1480C>G, p.Gln494Glu (NM_001322010.2, NM_001406906.1, NM_001406907.1); c.1108C>G, p.Gln370Glu (NM_001322011.2, NM_001322012.2); c.1468C>G, p.Gln490Glu (NM_001322013.2, NM_001406909.1); c.2041C>G, p.Gln681Glu (NM_001322014.2, NM_001406871.1); c.1732C>G, p.Gln578Glu (NM_001322015.2, NM_001406875.1, NM_001406877.1 and 5 more transcripts); and 16 more; short protein forms Q424E, Q523E, Q645E, Q689E, Q681E, Q546E, Q569E, Q578E.
Identifiers: ClinVar variation 3890976 (VCV003890976.1).